The following is an entry in ClinVar:

NM_007208.4(MRPL3):c.379T>C (p.Cys127Arg)

Gene: MRPL3 (mitochondrial ribosomal protein L3; minus strand). Cytogenetic location: 3q22.1.
Variant type: single nucleotide variant.
Coding change: c.379T>C on transcript NM_007208.4 (MANE Select); coding-DNA position 379, T replaced by C.
Protein change: p.Cys127Arg; replaces cysteine 127 with arginine.
Molecular consequence: missense variant.
Genome position (GRCh38, 1-based): chr3:131,498,268, A>G on the plus strand (T>C on the coding strand, the complement: MRPL3 is on the minus strand). VCF-style: chr3-131498268-A-G. GRCh37 (hg19) VCF-style: chr3-131217112-A-G.
Other names: short protein forms C127R.
Identifiers: ClinVar variation 3341348 (VCV003341348.1).

ClinVar aggregate classification (germline): Uncertain significance (1 of 4 stars; one submission).

Conditions:
Combined oxidative phosphorylation defect type 9. Identifiers: Orphanet 319509, MedGen C4706315, MONDO:0013811, OMIM 614582.

Submission:

Neuberg Centre For Genomic Medicine, NCGM
Classification: Uncertain significance for Combined oxidative phosphorylation defect type 9. Last evaluated: 2023-05-20. Review status: criteria provided, single submitter. Criteria: ACMG Guidelines, 2015. Collection method: clinical testing. Allele origin: germline. Inheritance: Autosomal recessive inheritance. Affected: yes.
Comment: The missense c.379T>C (p.Cys127Arg) variant in the MRPL3 gene has not been reported previously as a pathogenic variant nor as a benign variant, to our knowledge. This variant is absent in the gnomAD Exomes. The amino acid Cysteine at position 127 is changed to a Arginine changing protein sequence and it might alter its composition and physico-chemical properties. Computational evidence (Polyphen - Damaging, SIFT - Tolerated and MutationTaster - Disease causing) predicts conflicting evidence on protein structure and function for this variant. The amino acid change p.Cys127Arg in MRPL3 is predicted as conserved by GERP++ and PhyloP across 100 vertebrates. For these reasons, this variant has been classified as Uncertain Significance.